The following is an entry in ClinVar:

ClinVar aggregate classification (germline): Uncertain significance. Review status: criteria provided, multiple submitters, no conflicts (2 of 4 stars). 4 submissions from 4 submitters: Uncertain significance (4). Last evaluated 2025-09-17.

Conditions:
Autosomal recessive ataxia, Beauce type. Also called: ATAXIA, RECESSIVE, OF BEAUCE; Spinocerebellar ataxia, autosomal recessive 8; SYNE1-Related Autosomal Recessive Cerebellar Ataxia; SYNE1 Deficiency. Identifiers: Orphanet 88644, MedGen C1853116, MONDO:0012549, OMIM 610743.
Emery-Dreifuss muscular dystrophy 4, autosomal dominant (EDMD4). Also called: EMERY-DREIFUSS MUSCULAR DYSTROPHY 4 WITH VARIABLE FEATURES. Identifiers: Orphanet 261, MedGen C2751807, MONDO:0013071, OMIM 612998.

Allele frequency attached by ClinVar (database versions not stated): gnomAD exomes 0.00001; ExAC 0.00002; gnomAD 0.00003; TOPMed 0.00003; ESP Exome Variant Server 0.00008.
gnomAD v4.1: 12 of 1,614,024 alleles (0.00074%); highest among the groups gnomAD compares: Non-Finnish European, 0.001%; no homozygotes.

Submissions (4):

Athena Diagnostics
Classification: Uncertain significance. Last evaluated: 2025-09-17. Review status: criteria provided, single submitter. Criteria: Athena Diagnostics Criteria. Collection method: clinical testing. Allele origin: unknown.
Comment: Available data are insufficient to determine the clinical significance of the variant at this time. The frequency of this variant in the general population is uninformative in assessment of its pathogenicity. Polyphen and MutationTaster predict this amino acid change may be benign.

CeGaT Center for Human Genetics Tuebingen
Classification: Uncertain significance. Last evaluated: 2023-03-01. Review status: criteria provided, single submitter. Criteria: CeGaT Center For Human Genetics Tuebingen Variant Classification Criteria Version 2. Collection method: clinical testing. Allele origin: germline. Affected: yes. Observed: 1 variant allele.
Comment: SYNE1: PM2, BP4

Labcorp Genetics (formerly Invitae), Labcorp
Classification: Uncertain significance for Emery-Dreifuss muscular dystrophy 4, autosomal dominant; Autosomal recessive ataxia, Beauce type. Last evaluated: 2021-07-20. Review status: criteria provided, single submitter. Criteria: Invitae Variant Classification Sherloc (09022015). Collection method: clinical testing. Allele origin: germline.
Comment: In summary, the available evidence is currently insufficient to determine the role of this variant in disease. Therefore, it has been classified as a Variant of Uncertain Significance. Algorithms developed to predict the effect of missense changes on protein structure and function output the following: SIFT: "Tolerated"; PolyPhen-2: "Benign"; Align-GVGD: "Class C0". The threonine amino acid residue is found in multiple mammalian species, suggesting that this missense change does not adversely affect protein function. These predictions have not been confirmed by published functional studies and their clinical significance is uncertain. This variant has not been reported in the literature in individuals with SYNE1-related disease. ClinVar contains an entry for this variant (Variation ID: 283256). This variant is present in population databases (rs371025400, ExAC 0.003%). This sequence change replaces methionine with threonine at codon 2876 of the SYNE1 protein (p.Met2876Thr). The methionine residue is moderately conserved and there is a moderate physicochemical difference between methionine and threonine.

Eurofins Ntd Llc (ga)
Classification: Uncertain significance. Last evaluated: 2015-09-09. Review status: criteria provided, single submitter. Criteria: EGL Classification Definitions 2015. Collection method: clinical testing. Allele origin: germline. Observed: 2 variant alleles, 2 heterozygotes.

NM_182961.4(SYNE1):c.8606T>C (p.Met2869Thr)

Genes: SYNE1 (spectrin repeat containing nuclear envelope protein 1; minus strand), LOC126859838 (CDK7 strongly-dependent group 2 enhancer GRCh37_chr6:152706655-152707854; plus strand). Cytogenetic location: 6q25.2.
Variant type: single nucleotide variant.
Coding change: c.8606T>C on transcript NM_182961.4 (MANE Select); coding-DNA position 8606, T replaced by C.
Protein change: p.Met2869Thr; replaces methionine 2869 with threonine.
Molecular consequence: missense variant.
Genome position (GRCh38, 1-based): chr6:152,385,720, A>G on the plus strand (T>C on the coding strand, the complement: SYNE1 is on the minus strand). VCF-style: chr6-152385720-A-G. GRCh37 (hg19) VCF-style: chr6-152706855-A-G.
Other names: c.8627T>C, p.Met2876Thr (NM_033071.5); c.8606T>C (NM_182961.2); short protein forms M2869T, M2876T.
Identifiers: ClinVar variation 283256 (VCV000283256.41), dbSNP rs371025400, ClinGen allele CA4057506.